The following is an entry in ClinVar:

NM_005458.8(GABBR2):c.630+1G>A

Gene: GABBR2 (gamma-aminobutyric acid type B receptor subunit 2; minus strand). Cytogenetic location: 9q22.33.
Variant type: single nucleotide variant.
Coding change: c.630+1G>A on transcript NM_005458.8 (MANE Select); the canonical splice donor site of the intron after coding-DNA position 630, G replaced by A.
Molecular consequence: splice donor variant.
Genome position (GRCh38, 1-based): chr9:98,541,872, C>T on the plus strand (G>A on the coding strand, the complement: GABBR2 is on the minus strand). VCF-style: chr9-98541872-C-T. GRCh37 (hg19) VCF-style: chr9-101304154-C-T.
Identifiers: ClinVar variation 1367454 (VCV001367454.8), dbSNP rs2131740463, ClinGen allele CA374350827.

ClinVar aggregate classification (germline): Uncertain significance (1 of 4 stars; one submission).

Conditions:
Epileptic encephalopathy. Identifiers: MedGen C0543888, HP:0200134.

Submission:

Labcorp Genetics (formerly Invitae), Labcorp
Classification: Uncertain significance for Epileptic encephalopathy. Last evaluated: 2022-06-20. Review status: criteria provided, single submitter. Criteria: Invitae Variant Classification Sherloc (09022015). Collection method: clinical testing. Allele origin: germline.
Comment: This variant has not been reported in the literature in individuals affected with GABBR2-related conditions. In summary, the available evidence is currently insufficient to determine the role of this variant in disease. Therefore, it has been classified as a Variant of Uncertain Significance. Algorithms developed to predict the effect of sequence changes on RNA splicing suggest that this variant may disrupt the consensus splice site. This variant is not present in population databases (gnomAD no frequency). This sequence change affects a donor splice site in intron 3 of the GABBR2 gene. It is expected to disrupt RNA splicing. Variants that disrupt the donor or acceptor splice site typically lead to a loss of protein function (PMID: 16199547), however the current clinical and genetic evidence is not sufficient to establish whether loss-of-function variants in GABBR2 cause disease.

Literature cited by the submitters: PubMed 16199547.